The following is an entry in ClinVar:

ClinVar aggregate classification (germline): Conflicting classifications of pathogenicity. Review status: criteria provided, conflicting classifications (1 of 4 stars). 6 submissions from 2 submitters: Uncertain significance (2); Likely benign (4). Last evaluated 2024-04-09.

Conditions:
Congenital myasthenic syndrome 16. Identifiers: Orphanet 590, MedGen C3280112, MONDO:0013620, OMIM 614198.
Hyperkalemic periodic paralysis. Also called: Familial hyperkalemic periodic paralysis; Gamstorp disease. Identifiers: Orphanet 682, MedGen C0238357, MONDO:0008224, OMIM 170500, HP:0007215.
Paramyotonia congenita of Von Eulenburg. Also called: Paramyotonia Congenita; PARALYSIS PERIODICA PARAMYOTONICA; Eulenburg disease; Myotonia congenita intermittens; Von Eulenburg paramyotonia congenita. Identifiers: Orphanet 684, MedGen C0221055, MONDO:0008195, OMIM 168300. Disease mechanism: loss of function.
Hypokalemic periodic paralysis, type 2 (HOKPP2). Identifiers: Orphanet 681, MedGen C2750061, MONDO:0013234, OMIM 613345.
Potassium-aggravated myotonia. Also called: Myotonia congenita, atypical, acetazolamide-responsive; MYOTONIA CONGENITA, ACETAZOLAMIDE-RESPONSIVE; MYOTONIA CONGENITA, ATYPICAL; SODIUM CHANNEL MUSCLE DISEASE. Identifiers: Orphanet 612, Orphanet 99734, Orphanet 99735, Orphanet 99736, MedGen C2931826, MONDO:0018959, OMIM 608390.

Allele frequency attached by ClinVar (database versions not stated): TOPMed 0.00003; gnomAD 0.00001; ExAC 0.00002; gnomAD exomes 0.00001 and 0.00003.

Submissions (6):

Labcorp Genetics (formerly Invitae), Labcorp
Classification: Uncertain significance for Hyperkalemic periodic paralysis. Last evaluated: 2024-04-09. Review status: criteria provided, single submitter. Criteria: Invitae Variant Classification Sherloc (09022015). Collection method: clinical testing. Allele origin: germline.
Comment: This sequence change replaces aspartic acid, which is acidic and polar, with asparagine, which is neutral and polar, at codon 532 of the SCN4A protein (p.Asp532Asn). This variant is present in population databases (rs747479565, gnomAD 0.006%). This variant has not been reported in the literature in individuals affected with SCN4A-related conditions. ClinVar contains an entry for this variant (Variation ID: 324539). Advanced modeling of protein sequence and biophysical properties (such as structural, functional, and spatial information, amino acid conservation, physicochemical variation, residue mobility, and thermodynamic stability) performed at Invitae indicates that this missense variant is not expected to disrupt SCN4A protein function with a negative predictive value of 95%. In summary, the available evidence is currently insufficient to determine the role of this variant in disease. Therefore, it has been classified as a Variant of Uncertain Significance.

Illumina Laboratory Services, Illumina
Classification: Likely benign for Potassium-aggravated myotonia. Last evaluated: 2018-01-13. Review status: criteria provided, single submitter. Criteria: ICSL Variant Classification Criteria 13 December 2019. Collection method: clinical testing. Allele origin: germline.
Comment: This variant was observed in the ICSL laboratory as part of a predisposition screen in an ostensibly healthy population. It had not been previously curated by ICSL or reported in the Human Gene Mutation Database (HGMD: prior to June 1st, 2018), and was therefore a candidate for classification through an automated scoring system. Utilizing variant allele frequency, disease prevalence and penetrance estimates, and inheritance mode, an automated score was calculated to assess if this variant is too frequent to cause the disease. Based on the score and internal cut-off values, a variant classified as likely benign is not then subjected to further curation. The score for this variant resulted in a classification of likely benign for this disease.

Illumina Laboratory Services, Illumina
Classification: Likely benign for Paramyotonia congenita of Von Eulenburg. Last evaluated: 2018-01-13. Review status: criteria provided, single submitter. Criteria: ICSL Variant Classification Criteria 13 December 2019. Collection method: clinical testing. Allele origin: germline.
Comment: the same text as in the submission from Illumina Laboratory Services, Illumina above.

Illumina Laboratory Services, Illumina
Classification: Likely benign for Hyperkalemic periodic paralysis. Last evaluated: 2018-01-13. Review status: criteria provided, single submitter. Criteria: ICSL Variant Classification Criteria 13 December 2019. Collection method: clinical testing. Allele origin: germline.
Comment: the same text as in the submission from Illumina Laboratory Services, Illumina above.

Illumina Laboratory Services, Illumina
Classification: Likely benign for Hypokalemic periodic paralysis, type 2. Last evaluated: 2018-01-13. Review status: criteria provided, single submitter. Criteria: ICSL Variant Classification Criteria 13 December 2019. Collection method: clinical testing. Allele origin: germline.
Comment: the same text as in the submission from Illumina Laboratory Services, Illumina above.

Illumina Laboratory Services, Illumina
Classification: Uncertain significance for Congenital myasthenic syndrome 16. Last evaluated: 2018-01-13. Review status: criteria provided, single submitter. Criteria: ICSL Variant Classification Criteria 13 December 2019. Collection method: clinical testing. Allele origin: germline.

NM_000334.4(SCN4A):c.1594G>A (p.Asp532Asn)

Gene: SCN4A (sodium voltage-gated channel alpha subunit 4; minus strand). Cytogenetic location: 17q23.3.
Variant type: single nucleotide variant.
Coding change: c.1594G>A on transcript NM_000334.4 (MANE Select); coding-DNA position 1594, G replaced by A.
Protein change: p.Asp532Asn; replaces aspartic acid 532 with asparagine.
Molecular consequence: missense variant.
Genome position (GRCh38, 1-based): chr17:63,963,684, C>T on the plus strand (G>A on the coding strand, the complement: SCN4A is on the minus strand). VCF-style: chr17-63963684-C-T. GRCh37 (hg19) VCF-style: chr17-62041044-C-T.
Other names: short protein forms D532N.
Identifiers: ClinVar variation 324539 (VCV000324539.7), dbSNP rs747479565, ClinGen allele CA8709798.